The following is an entry in ClinVar:

NM_001046.3(SLC12A2):c.1865C>T (p.Ala622Val)

Gene: SLC12A2 (solute carrier family 12 member 2; plus strand). Cytogenetic location: 5q23.3.
Variant type: single nucleotide variant.
Coding change: c.1865C>T on transcript NM_001046.3 (MANE Select); coding-DNA position 1865, C replaced by T.
Protein change: p.Ala622Val; replaces alanine 622 with valine.
Molecular consequence: missense variant. On other transcripts: non-coding transcript variant (1).
Genome position (GRCh38, 1-based): chr5:128,147,713, C>T. VCF-style: chr5-128147713-C-T. GRCh37 (hg19) VCF-style: chr5-127483405-C-T.
Other names: c.1865C>T, p.Ala622Val (NM_001256461.2); short protein forms A622V.
Identifiers: ClinVar variation 2847915 (VCV002847915.3), dbSNP rs2479400948, ClinGen allele CA360746916.

ClinVar aggregate classification (germline): Uncertain significance (1 of 4 stars; one submission).

Submission:

Labcorp Genetics (formerly Invitae), Labcorp
Classification: Uncertain significance. Last evaluated: 2024-01-22. Review status: criteria provided, single submitter. Criteria: Invitae Variant Classification Sherloc (09022015). Collection method: clinical testing. Allele origin: germline.
Comment: This sequence change replaces alanine, which is neutral and non-polar, with valine, which is neutral and non-polar, at codon 622 of the SLC12A2 protein (p.Ala622Val). This variant is not present in population databases (gnomAD no frequency). This variant has not been reported in the literature in individuals affected with SLC12A2-related conditions. Advanced modeling of protein sequence and biophysical properties (such as structural, functional, and spatial information, amino acid conservation, physicochemical variation, residue mobility, and thermodynamic stability) performed at Invitae indicates that this missense variant is not expected to disrupt SLC12A2 protein function with a negative predictive value of 80%. In summary, the available evidence is currently insufficient to determine the role of this variant in disease. Therefore, it has been classified as a Variant of Uncertain Significance.